The following is an entry in ClinVar:

ClinVar aggregate classification (germline): Uncertain significance. Review status: reviewed by expert panel (3 of 4 stars). 3 submissions from 3 submitters: Uncertain significance (1). 2 of the submissions do not count toward it. Last evaluated 2020-10-15.

Conditions:
Phenylketonuria (PKU). Also called: OLIGOPHRENIA PHENYLPYRUVICA; Phenylketonuria (PKU); Phenylketonurias; FOLLING DISEASE. Identifiers: Orphanet 716, MedGen C0031485, MONDO:0009861, OMIM 261600. Disease mechanism: loss of function.

Allele frequency attached by ClinVar (database versions not stated): TOPMed 0.00002; gnomAD 0.00002; ExAC 0.00005; gnomAD exomes 0.00001 and 0.00002.
gnomAD v4.1: 8 of 1,610,548 alleles (0.0005%); highest among the groups gnomAD compares: East Asian, 0.016%; no homozygotes.

Submissions (3):

ClinGen PAH Variant Curation Expert Panel
Classification: Uncertain significance for Phenylketonuria. Last evaluated: 2020-10-15. Review status: reviewed by expert panel. Criteria: ClinGen PAH ACMG Specifications v1. Collection method: curation. Allele origin: germline. Inheritance: Autosomal recessive inheritance.
Comment: A defect in BH4 metabolism was excluded by urinary pterin analysis only. This variant has a MAF of 0.0003510 in the gnomAD East Asian population. It is intronic in a highly conserved nucleotide and is predicted to be benign by splicing prediction algorithms. In summary, this variant meets criteria to be classified as uncertain significance for PAH. PAH-specific ACMG/AMP criteria applied: PM3, PP4.

Labcorp Genetics (formerly Invitae), Labcorp
Classification: Likely benign for Phenylketonuria. Last evaluated: 2026-01-19. Review status: criteria provided, single submitter. Criteria: Invitae Variant Classification Sherloc (09022015). Collection method: clinical testing. Allele origin: germline. Not counted in ClinVar's aggregate classification.

Fulgent Genetics
Classification: Uncertain significance for Phenylketonuria. Last evaluated: 2021-11-11. Review status: criteria provided, single submitter. Criteria: ACMG Guidelines, 2015. Collection method: clinical testing. Allele origin: unknown. Not counted in ClinVar's aggregate classification.

Literature cited by the submitters: PubMed 28982351 (cited by ClinGen PAH Variant Curation Expert Panel).

NM_000277.3(PAH):c.442-14C>T

Gene: PAH (phenylalanine hydroxylase; minus strand). Cytogenetic location: 12q23.2.
Variant type: single nucleotide variant.
Coding change: c.442-14C>T on transcript NM_000277.3 (MANE Select); 14 bases into the intron before coding-DNA position 442, C replaced by T.
Molecular consequence: intron variant.
Genome position (GRCh38, 1-based): chr12:102,866,677, G>A on the plus strand (C>T on the coding strand, the complement: PAH is on the minus strand). VCF-style: chr12-102866677-G-A. GRCh37 (hg19) VCF-style: chr12-103260455-G-A.
Other names: c.442-14C>T (NM_001354304.2).
Identifiers: ClinVar variation 987773 (VCV000987773.6), dbSNP rs775806999, ClinGen allele CA6748922.